The following is an entry in ClinVar:

ClinVar aggregate classification (germline): Pathogenic (1 of 4 stars; one submission).

Submission:

Labcorp Genetics (formerly Invitae), Labcorp
Classification: Pathogenic. Last evaluated: 2024-09-30. Review status: criteria provided, single submitter. Criteria: Invitae Variant Classification Sherloc (09022015). Collection method: clinical testing. Allele origin: germline.
Comment: This sequence change creates a premature translational stop signal (p.Gly946Alafs*38) in the COL11A2 gene. It is expected to result in an absent or disrupted protein product. Loss-of-function variants in COL11A2 are known to be pathogenic (PMID: 10677296, 21204229). This variant is not present in population databases (gnomAD no frequency). This variant has not been reported in the literature in individuals affected with COL11A2-related conditions. For these reasons, this variant has been classified as Pathogenic.

Literature cited by the submitters: PubMed 10677296; PubMed 21204229.

NM_080680.3(COL11A2):c.2835del (p.Gly946fs)

Gene: COL11A2 (collagen type XI alpha 2 chain; minus strand). Cytogenetic location: 6p21.32.
Variant type: Deletion.
Coding change: c.2835del on transcript NM_080680.3 (MANE Select); coding-DNA position 2835, one base deleted (A; older notation c.2835delA).
Protein change: p.Gly946fs; shifts the reading frame from glycine 946.
Molecular consequence: frameshift variant.
Genome position (GRCh38, 1-based): chr6:33,172,593, T deleted on the plus strand (A on the coding strand, the reverse complement: COL11A2 is on the minus strand). VCF-style (leftmost placement, unchanged base first): chr6-33172592-CT-C. GRCh37 (hg19) VCF-style: chr6-33140369-CT-C.
Other names: c.2655del, p.Gly886fs (NM_001424108.1); c.1989del, p.Gly664fs (NM_001424109.1); c.1809del, p.Gly604fs (NM_001424110.1, NM_001424111.1); c.789del, p.Gly264fs (NM_001424112.1); c.2514del, p.Gly839fs (NM_080679.3); c.2577del, p.Gly860fs (NM_080681.3); short protein forms G860fs, G886fs, G264fs, G946fs, G839fs, G604fs, G664fs.
Identifiers: ClinVar variation 3659861 (VCV003659861.2).